The following is an entry in ClinVar:

ClinVar aggregate classification (germline): Uncertain significance (1 of 4 stars; one submission).

Allele frequency attached by ClinVar (database versions not stated): gnomAD exomes below 0.00001; ExAC 0.00001; gnomAD 0.00001; TOPMed 0.00001.
gnomAD v4.1: 9 of 1,614,032 alleles (0.00056%); highest among the groups gnomAD compares: South Asian, 0.0022%; no homozygotes.

Submission:

Labcorp Genetics (formerly Invitae), Labcorp
Classification: Uncertain significance. Last evaluated: 2023-10-03. Review status: criteria provided, single submitter. Criteria: Invitae Variant Classification Sherloc (09022015). Collection method: clinical testing. Allele origin: germline.
Comment: This sequence change replaces histidine, which is basic and polar, with arginine, which is basic and polar, at codon 389 of the CCBE1 protein (p.His389Arg). This variant is present in population databases (rs751464648, gnomAD 0.0009%). This variant has not been reported in the literature in individuals affected with CCBE1-related conditions. ClinVar contains an entry for this variant (Variation ID: 1461197). Advanced modeling of protein sequence and biophysical properties (such as structural, functional, and spatial information, amino acid conservation, physicochemical variation, residue mobility, and thermodynamic stability) performed at Invitae indicates that this missense variant is not expected to disrupt CCBE1 protein function. In summary, the available evidence is currently insufficient to determine the role of this variant in disease. Therefore, it has been classified as a Variant of Uncertain Significance.

NM_133459.4(CCBE1):c.1166A>G (p.His389Arg)

Gene: CCBE1 (collagen and calcium binding EGF domains 1; minus strand). Cytogenetic location: 18q21.32.
Variant type: single nucleotide variant.
Coding change: c.1166A>G on transcript NM_133459.4 (MANE Select); coding-DNA position 1166, A replaced by G.
Protein change: p.His389Arg; replaces histidine 389 with arginine.
Molecular consequence: missense variant.
Genome position (GRCh38, 1-based): chr18:59,435,963, T>C on the plus strand (A>G on the coding strand, the complement: CCBE1 is on the minus strand). VCF-style: chr18-59435963-T-C. GRCh37 (hg19) VCF-style: chr18-57103195-T-C.
Other names: short protein forms H389R.
Identifiers: ClinVar variation 1461197 (VCV001461197.6), dbSNP rs751464648, ClinGen allele CA8980160.